The following is an entry in ClinVar:

NM_006346.4(PIBF1):c.1315T>G (p.Leu439Val)

Gene: PIBF1 (progesterone immunomodulatory binding factor 1; plus strand). Cytogenetic location: 13q22.1.
Variant type: single nucleotide variant.
Coding change: c.1315T>G on transcript NM_006346.4 (MANE Select); coding-DNA position 1315, T replaced by G.
Protein change: p.Leu439Val; replaces leucine 439 with valine.
Molecular consequence: missense variant. On other transcripts: non-coding transcript variant (2).
Genome position (GRCh38, 1-based): chr13:72,854,148, T>G. VCF-style: chr13-72854148-T-G. GRCh37 (hg19) VCF-style: chr13-73428286-T-G.
Other names: c.1402T>G, p.Leu468Val (NM_001349655.2); short protein forms L439V, L468V.
Identifiers: ClinVar variation 3932011 (VCV003932011.2).

ClinVar aggregate classification (germline): Uncertain significance. Review status: criteria provided, multiple submitters, no conflicts (2 of 4 stars). 2 submissions from 2 submitters: Uncertain significance (2). Last evaluated 2025-06-24.

Conditions:
Inborn genetic diseases. Identifiers: MedGen C0950123, MeSH D030342.

gnomAD v4.1: 44 of 1,594,160 alleles (0.0028%); highest among the groups gnomAD compares: African/African-American, 0.051%; no homozygotes.

Submissions (2):

Labcorp Genetics (formerly Invitae), Labcorp
Classification: Uncertain significance. Last evaluated: 2025-06-24. Review status: criteria provided, single submitter. Criteria: Invitae Variant Classification Sherloc (09022015). Collection method: clinical testing. Allele origin: germline.
Comment: This sequence change replaces leucine, which is neutral and non-polar, with valine, which is neutral and non-polar, at codon 439 of the PIBF1 protein (p.Leu439Val). This variant is present in population databases (rs757342204, gnomAD 0.04%). This variant has not been reported in the literature in individuals affected with PIBF1-related conditions. Invitae Evidence Modeling of protein sequence and biophysical properties (such as structural, functional, and spatial information, amino acid conservation, physicochemical variation, residue mobility, and thermodynamic stability) indicates that this missense variant is not expected to disrupt PIBF1 protein function with a negative predictive value of 80%. In summary, the available evidence is currently insufficient to determine the role of this variant in disease. Therefore, it has been classified as a Variant of Uncertain Significance.

Ambry Genetics
Classification: Uncertain significance for Inborn genetic diseases. Last evaluated: 2025-04-02. Review status: criteria provided, single submitter. Criteria: Ambry Variant Classification Scheme 2023. Collection method: clinical testing. Allele origin: germline.